The following is an entry in ClinVar:

ClinVar aggregate classification (germline): Uncertain significance (1 of 4 stars; one submission).

Conditions:
Developmental and epileptic encephalopathy, 32 (DEE32). Also called: Epileptic encephalopathy, early infantile, 32. Identifiers: Orphanet 442835, MedGen C4225350, MONDO:0014607, OMIM 616366.

Submission:

Labcorp Genetics (formerly Invitae), Labcorp
Classification: Uncertain significance for Developmental and epileptic encephalopathy, 32. Last evaluated: 2023-07-25. Review status: criteria provided, single submitter. Criteria: Invitae Variant Classification Sherloc (09022015). Collection method: clinical testing. Allele origin: germline.
Comment: ClinVar contains an entry for this variant (Variation ID: 1383182). Advanced modeling of protein sequence and biophysical properties (such as structural, functional, and spatial information, amino acid conservation, physicochemical variation, residue mobility, and thermodynamic stability) has been performed at Invitae for this missense variant, however the output from this modeling did not meet the statistical confidence thresholds required to predict the impact of this variant on KCNA2 protein function. In summary, the available evidence is currently insufficient to determine the role of this variant in disease. Therefore, it has been classified as a Variant of Uncertain Significance. This variant has not been reported in the literature in individuals affected with KCNA2-related conditions. This sequence change replaces alanine, which is neutral and non-polar, with valine, which is neutral and non-polar, at codon 345 of the KCNA2 protein (p.Ala345Val). This variant is not present in population databases (gnomAD no frequency).

NM_004974.4(KCNA2):c.1034C>T (p.Ala345Val)

Gene: KCNA2 (potassium voltage-gated channel subfamily A member 2; minus strand). Cytogenetic location: 1p13.3.
Variant type: single nucleotide variant.
Coding change: c.1034C>T on transcript NM_004974.4 (MANE Select); coding-DNA position 1034, C replaced by T.
Protein change: p.Ala345Val; replaces alanine 345 with valine.
Molecular consequence: missense variant. On other transcripts: intron variant (1).
Genome position (GRCh38, 1-based): chr1:110,603,749, G>A on the plus strand (C>T on the coding strand, the complement: KCNA2 is on the minus strand). VCF-style: chr1-110603749-G-A. GRCh37 (hg19) VCF-style: chr1-111146371-G-A.
Other names: c.894+140C>T (NM_001204269.2); short protein forms A345V.
Identifiers: ClinVar variation 1383182 (VCV001383182.8), dbSNP rs2101397708, ClinGen allele CA341602250.